The following is an entry in ClinVar:

ClinVar aggregate classification (germline): Uncertain significance (1 of 4 stars; one submission).

Conditions:
ANK2-related disorder. Also called: ANK2-related condition.

gnomAD v4.1: 3 of 1,614,090 alleles (0.00019%); highest among the groups gnomAD compares: South Asian, 0.0011%; no homozygotes.

Submission:

PreventionGenetics, part of Exact Sciences
Classification: Uncertain significance for ANK2-related condition. Last evaluated: 2025-03-27. Review status: criteria provided, single submitter. Criteria: ACMG Guidelines, 2015. Collection method: clinical testing. Allele origin: germline.
Comment: The ANK2 c.7009A>G variant is predicted to result in the amino acid substitution p.Lys2337Glu. To our knowledge, this variant has not been reported in the literature or in a large population database (gnomAD), indicating this variant is rare. At this time, the clinical significance of this variant is uncertain due to the absence of conclusive functional and genetic evidence.

NM_001148.6(ANK2):c.7009A>G (p.Lys2337Glu)

Genes: ANK2 (ankyrin 2; plus strand), LOC126807137 (CDK7 strongly-dependent group 2 enhancer GRCh37_chr4:114276560-114277759; plus strand). Cytogenetic location: 4q26.
Variant type: single nucleotide variant.
Coding change: c.7009A>G on transcript NM_001148.6 (MANE Select); coding-DNA position 7009, A replaced by G.
Protein change: p.Lys2337Glu; replaces lysine 2337 with glutamic acid.
Molecular consequence: missense variant. On other transcripts: intron variant (68).
Genome position (GRCh38, 1-based): chr4:113,355,627, A>G. VCF-style: chr4-113355627-A-G. GRCh37 (hg19) VCF-style: chr4-114276783-A-G.
Other names: c.6775A>G, p.Lys2259Glu (NM_001386142.1); c.3409A>G, p.Lys1137Glu (NM_001386166.1); c.7150A>G, p.Lys2384Glu (NM_001386174.1); c.7126A>G, p.Lys2376Glu (NM_001386175.1); c.4412-5196A>G (NM_001386186.2, NM_001386148.2); c.4214-5196A>G (NM_001354269.3); c.4292-5196A>G (NM_001386187.2); c.4253-5196A>G (NM_001386147.1); and 35 more; short protein forms K2259E, K2376E, K1137E, K2337E, K2384E.
Identifiers: ClinVar variation 4982927 (VCV004982927.1).
Genomic context (GRCh38, chr4:113,355,627, plus strand): 5'-AAAGACACAAGCCCTAAAAGACAAGATGATTGCACAGGCAGCTGTAGTGTAGCATTAGCT[A>G]AAGAGACACCTACAGGACTGACTGAGGAGGCAGCCTGTGATGAAGGTCAACGTACCTTTG-3'
Protein context (NP_001139.3, residues 2327-2347): CTGSCSVALA[Lys2337Glu]ETPTGLTEEA